The following is an entry in ClinVar:

ClinVar aggregate classification (germline): Uncertain significance (1 of 4 stars; one submission).

Allele frequency attached by ClinVar (database versions not stated): ExAC 0.00002; gnomAD 0.00002; TOPMed 0.00002; ESP Exome Variant Server 0.00015.
gnomAD v4.1: 168 of 1,613,960 alleles (0.01%); highest among the groups gnomAD compares: Non-Finnish European, 0.013%; no homozygotes.

Submission:

Labcorp Genetics (formerly Invitae), Labcorp
Classification: Uncertain significance. Last evaluated: 2023-10-14. Review status: criteria provided, single submitter. Criteria: Invitae Variant Classification Sherloc (09022015). Collection method: clinical testing. Allele origin: germline.
Comment: This sequence change replaces proline, which is neutral and non-polar, with leucine, which is neutral and non-polar, at codon 1817 of the FAT2 protein (p.Pro1817Leu). This variant is present in population databases (rs371080518, gnomAD 0.007%). This variant has not been reported in the literature in individuals affected with FAT2-related conditions. Advanced modeling of protein sequence and biophysical properties (such as structural, functional, and spatial information, amino acid conservation, physicochemical variation, residue mobility, and thermodynamic stability) performed at Invitae indicates that this missense variant is not expected to disrupt FAT2 protein function. In summary, the available evidence is currently insufficient to determine the role of this variant in disease. Therefore, it has been classified as a Variant of Uncertain Significance.

NM_001447.3(FAT2):c.5450C>T (p.Pro1817Leu)

Genes: FAT2 (FAT atypical cadherin 2; minus strand), SLC36A1 (solute carrier family 36 member 1; plus strand). Cytogenetic location: 5q33.1.
Variant type: single nucleotide variant.
Coding change: c.5450C>T on transcript NM_001447.3 (MANE Select); coding-DNA position 5450, C replaced by T.
Protein change: p.Pro1817Leu; replaces proline 1817 with leucine.
Molecular consequence: missense variant.
Genome position (GRCh38, 1-based): chr5:151,545,677, G>A on the plus strand (C>T on the coding strand, the complement: FAT2 is on the minus strand). VCF-style: chr5-151545677-G-A. GRCh37 (hg19) VCF-style: chr5-150925238-G-A.
Other names: short protein forms P1817L.
Identifiers: ClinVar variation 2892911 (VCV002892911.3), dbSNP rs371080518, ClinGen allele CA3521287.
Genomic context (GRCh38, chr5:151,545,677, plus strand): 5'-TGGAAAGAGGGCATGCTCTCATAATCCATCTCTGATACAATGGTTAGGGTTCCCATGCTG[G>A]GATCAATTTTGAAAAACTTCAAGGCCTCCGGCTCCAAAATTTTATAGACCAACAAGGAAT-3'
Protein context (NP_001438.1, residues 1807-1827): PEALKFFKID[Pro1817Leu]SMGTLTIVSE